The following is an entry in ClinVar:

ClinVar aggregate classification (germline): Uncertain significance. Review status: criteria provided, multiple submitters, no conflicts (2 of 4 stars). 5 submissions from 5 submitters: Uncertain significance (3). 2 of the submissions do not count toward it. Last evaluated 2023-09-12.

Conditions:
Biotinidase deficiency. Also called: BTD deficiency; Late-onset biotin-responsive multiple carboxylase deficiency; Biotin deficiency. Identifiers: Orphanet 79241, MedGen C0220754, MONDO:0009665, OMIM 253260.

Allele frequency attached by ClinVar (database versions not stated): gnomAD exomes below 0.00001 and 0.00001; gnomAD 0.00001; TOPMed 0.00001.
gnomAD v4.1: 8 of 1,614,102 alleles (0.0005%); highest among the groups gnomAD compares: Admixed American, 0.0083%; no homozygotes.

Submissions (5):

GeneDx
Classification: Uncertain significance. Last evaluated: 2023-09-12. Review status: criteria provided, single submitter. Criteria: GeneDx Variant Classification Process June 2021. Collection method: clinical testing. Allele origin: germline. Affected: yes.
Comment: Identified in the compound heterozygous state with a second BTD variant in an individual with partial biotinidase deficiency in the published literature (Funghini et al., 2002); In silico analysis supports that this missense variant has a deleterious effect on protein structure/function; Not observed at significant frequency in large population cohorts (gnomAD); Also known as p.(T404I); This variant is associated with the following publications: (PMID: 21752405, 31980526, 12227467)

Labcorp Genetics (formerly Invitae), Labcorp
Classification: Uncertain significance for Biotinidase deficiency. Last evaluated: 2022-09-27. Review status: criteria provided, single submitter. Criteria: Invitae Variant Classification Sherloc (09022015). Collection method: clinical testing. Allele origin: germline.
Comment: This sequence change replaces threonine, which is neutral and polar, with isoleucine, which is neutral and non-polar, at codon 404 of the BTD protein (p.Thr404Ile). This variant is present in population databases (rs397514405, gnomAD 0.006%). This missense change has been observed in individual(s) with biotinidase deficiency (PMID: 21752405). ClinVar contains an entry for this variant (Variation ID: 25065). Advanced modeling of protein sequence and biophysical properties (such as structural, functional, and spatial information, amino acid conservation, physicochemical variation, residue mobility, and thermodynamic stability) performed at Invitae indicates that this missense variant is expected to disrupt BTD protein function. In summary, the available evidence is currently insufficient to determine the role of this variant in disease. Therefore, it has been classified as a Variant of Uncertain Significance.

Quest Diagnostics Nichols Institute San Juan Capistrano
Classification: Uncertain significance. Last evaluated: 2020-02-27. Review status: criteria provided, single submitter. Criteria: Quest Diagnostics criteria. Collection method: clinical testing. Allele origin: unknown.

Natera, Inc.
Classification: Uncertain significance for Biotinidase deficiency. Last evaluated: 2020-09-16. Review status: no assertion criteria provided. Collection method: clinical testing. Allele origin: germline. Not counted in ClinVar's aggregate classification.

Counsyl
Classification: Uncertain significance for Biotinidase deficiency. Last evaluated: 2017-11-14. Review status: no assertion criteria provided. Collection method: clinical testing. Allele origin: unknown. Not counted in ClinVar's aggregate classification.

Literature cited by the submitters: PubMed 21752405 (cited by 3 submitters); PubMed 12227467 (cited by Quest Diagnostics Nichols Institute San Juan Capistrano and Counsyl).

NM_001370658.1(BTD):c.1151C>T (p.Thr384Ile)

Gene: BTD (biotinidase; plus strand). Cytogenetic location: 3p25.1.
Variant type: single nucleotide variant.
Coding change: c.1151C>T on transcript NM_001370658.1 (MANE Select); coding-DNA position 1151, C replaced by T.
Protein change: p.Thr384Ile; replaces threonine 384 with isoleucine.
Molecular consequence: missense variant. On other transcripts: intron variant (2).
Genome position (GRCh38, 1-based): chr3:15,645,067, C>T. VCF-style: chr3-15645067-C-T. GRCh37 (hg19) VCF-style: chr3-15686574-C-T.
Other names: c.1211C>T, p.Thr404Ile (NM_000060.4); c.1151C>T, p.Thr384Ile (NM_001281723.4, NM_001281724.3, NM_001281725.3 and 16 more transcripts); c.1015+136C>T (NM_001370752.1); c.399+3010C>T (NM_001370753.1); short protein forms T384I.
Identifiers: ClinVar variation 25065 (VCV000025065.10), dbSNP rs397514405, ClinGen allele CA278300.